The following is an entry in ClinVar:

ClinVar aggregate classification (germline): Benign. Review status: criteria provided, multiple submitters, no conflicts (2 of 4 stars). 6 submissions from 6 submitters: Benign (6). Last evaluated 2026-02-04.

Conditions:
Fibrous dysplasia of jaw (CRBM). Also called: Cherubism. Identifiers: Orphanet 184, MedGen C0008029, MONDO:0007315, OMIM 118400.

Allele frequency attached by ClinVar (database versions not stated): TOPMed 0.04835; ESP Exome Variant Server 0.04967; 1000 Genomes Project 0.06390; 1000 Genomes Project 30x 0.06512.
gnomAD v4.1: 68,710 of 1,573,094 alleles (4.4%); highest among the groups gnomAD compares: South Asian, 9.1%; 1,784 homozygotes.

Submissions (6):

Labcorp Genetics (formerly Invitae), Labcorp
Classification: Benign for Fibrous dysplasia of jaw. Last evaluated: 2026-02-04. Review status: criteria provided, single submitter. Criteria: Invitae Variant Classification Sherloc (09022015). Collection method: clinical testing. Allele origin: germline.

Women's Health and Genetics/Laboratory Corporation of America, LabCorp
Classification: Benign. Last evaluated: 2026-01-21. Review status: criteria provided, single submitter. Criteria: LabCorp Variant Classification Summary - May 2015. Collection method: clinical testing. Allele origin: germline.

GeneDx
Classification: Benign. Last evaluated: 2021-05-15. Review status: criteria provided, single submitter. Criteria: GeneDx Variant Classification Process June 2021. Collection method: clinical testing. Allele origin: germline. Affected: yes.

Illumina Laboratory Services, Illumina
Classification: Benign for Fibrous dysplasia of jaw. Last evaluated: 2018-01-13. Review status: criteria provided, single submitter. Criteria: ICSL Variant Classification Criteria 13 December 2019. Collection method: clinical testing. Allele origin: germline.
Comment: This variant was observed in the ICSL laboratory as part of a predisposition screen in an ostensibly healthy population. It had not been previously curated by ICSL or reported in the Human Gene Mutation Database (HGMD: prior to June 1st, 2018), and was therefore a candidate for classification through an automated scoring system. Utilizing variant allele frequency, disease prevalence and penetrance estimates, and inheritance mode, an automated score was calculated to assess if this variant is too frequent to cause the disease. Based on the score and internal cut-off values, a variant classified as benign is not then subjected to further curation. The score for this variant resulted in a classification of benign for this disease.

Breakthrough Genomics
Classification: Benign. Review status: criteria provided, single submitter. Criteria: ACMG Guidelines, 2015. Collection method: not provided. Allele origin: germline. Inheritance: Autosomal dominant inheritance. Affected: yes.

PreventionGenetics, part of Exact Sciences
Classification: Benign. Review status: criteria provided, single submitter. Criteria: ACMG Guidelines, 2015. Collection method: clinical testing. Allele origin: germline.

NM_001122681.2(SH3BP2):c.357+15G>T

Gene: SH3BP2 (SH3 domain binding protein 2; plus strand). Cytogenetic location: 4p16.3.
Variant type: single nucleotide variant.
Coding change: c.357+15G>T on transcript NM_001122681.2 (MANE Select); 15 bases into the intron after coding-DNA position 357, G replaced by T.
Molecular consequence: intron variant.
Genome position (GRCh38, 1-based): chr4:2,824,745, G>T. VCF-style: chr4-2824745-G-T. GRCh37 (hg19) VCF-style: chr4-2826472-G-T.
Other names: c.357+15G>T (NM_003023.4, LRG_1334t1); c.441+15G>T (LRG_1334t2, NM_001145855.2); c.528+15G>T (NM_001145856.2).
Identifiers: ClinVar variation 258895 (VCV000258895.19), dbSNP rs62620003, ClinGen allele CA2819029.